The following is an entry in ClinVar:

ClinVar aggregate classification (germline): Uncertain significance (0 of 4 stars; one submission).

Conditions:
PLXNA3-related disorder. Also called: PLXNA3-related condition.

Submission:

PreventionGenetics, part of Exact Sciences
Classification: Uncertain significance for PLXNA3-related condition. Last evaluated: 2024-09-04. Review status: no assertion criteria provided. Collection method: clinical testing. Allele origin: germline.
Comment: The PLXNA3 c.823T>A variant is predicted to result in the amino acid substitution p.Tyr275Asn. To our knowledge, this variant has not been reported in the literature or in a large population database, indicating this variant is rare. At this time, the clinical significance of this variant is uncertain due to the absence of conclusive functional and genetic evidence.

NM_017514.5(PLXNA3):c.823T>A (p.Tyr275Asn)

Gene: PLXNA3 (plexin A3; plus strand). Cytogenetic location: Xq28.
Variant type: single nucleotide variant.
Coding change: c.823T>A on transcript NM_017514.5 (MANE Select); coding-DNA position 823, T replaced by A.
Protein change: p.Tyr275Asn; replaces tyrosine 275 with asparagine.
Molecular consequence: missense variant.
Genome position (GRCh38, 1-based): chrX:154,461,327, T>A. VCF-style: chrX-154461327-T-A. GRCh37 (hg19) VCF-style: chrX-153689667-T-A.
Other names: short protein forms Y275N.
Identifiers: ClinVar variation 3347318 (VCV003347318.1).
Genomic context (GRCh38, chrX:154,461,327, plus strand): 5'-GAGAAATTTTTCACGTCCAAGATCGTGCGCATGTGCGCGGGAGACTCAGAGTTCTACTCA[T>A]ACGTGGAATTCCCCATCGGCTGCTCCTGGCGCGGCGTGGAGTACCGCTTGGTGCAGAGCG-3'
Protein context (NP_059984.3, residues 265-285): MCAGDSEFYS[Tyr275Asn]VEFPIGCSWR